The following is an entry in ClinVar:

ClinVar aggregate classification (germline): Uncertain significance (1 of 4 stars; one submission).

Conditions:
Hypertrophic cardiomyopathy 26. Also called: Cardiomyopathy, familial hypertrophic, 26. Identifiers: Orphanet 75249, MedGen C4310749, MONDO:0014883, OMIM 617047.
Myofibrillar myopathy 5. Also called: Filaminopathy (type); FILAMINOPATHY, AUTOSOMAL DOMINANT. Identifiers: Orphanet 171445, MedGen C1836050, MONDO:0012289, OMIM 609524.
Distal myopathy with posterior leg and anterior hand involvement. Also called: WILLIAMS DISTAL MYOPATHY. Identifiers: Orphanet 63273, MedGen C3279722, MONDO:0013550, OMIM 614065.

gnomAD v4.1: 6 of 1,613,806 alleles (0.00037%); highest among the groups gnomAD compares: Admixed American, 0.0017%; no homozygotes.

Submission:

Labcorp Genetics (formerly Invitae), Labcorp
Classification: Uncertain significance for Distal myopathy with posterior leg and anterior hand involvement; Myofibrillar myopathy 5; Hypertrophic cardiomyopathy 26. Last evaluated: 2026-02-02. Review status: criteria provided, single submitter. Criteria: Invitae Variant Classification Sherloc (09022015). Collection method: clinical testing. Allele origin: germline.
Comment: This sequence change replaces aspartic acid, which is acidic and polar, with tyrosine, which is neutral and polar, at codon 1933 of the FLNC protein (p.Asp1933Tyr). This variant is present in population databases (rs762297336, gnomAD 0.003%). This variant has not been reported in the literature in individuals affected with FLNC-related conditions. ClinVar contains an entry for this variant (Variation ID: 2932300). Invitae Evidence Modeling of protein sequence and biophysical properties (such as structural, functional, and spatial information, amino acid conservation, physicochemical variation, residue mobility, and thermodynamic stability) has been performed for this missense variant. However, the output from this modeling did not meet the statistical confidence thresholds required to predict the impact of this variant on FLNC protein function. In summary, the available evidence is currently insufficient to determine the role of this variant in disease. Therefore, it has been classified as a Variant of Uncertain Significance.

NM_001458.5(FLNC):c.5797G>T (p.Asp1933Tyr)

Genes: FLNC-AS1 (FLNC antisense RNA 1; minus strand), FLNC (filamin C; plus strand). Cytogenetic location: 7q32.1.
Variant type: single nucleotide variant.
Coding change: c.5797G>T on transcript NM_001458.5 (MANE Select); coding-DNA position 5797, G replaced by T.
Protein change: p.Asp1933Tyr; replaces aspartic acid 1933 with tyrosine.
Molecular consequence: missense variant.
Genome position (GRCh38, 1-based): chr7:128,851,583, G>T. VCF-style: chr7-128851583-G-T. GRCh37 (hg19) VCF-style: chr7-128491637-G-T.
Other names: c.5698G>T, p.Asp1900Tyr (NM_001127487.2); short protein forms D1900Y, D1933Y.
Identifiers: ClinVar variation 2932300 (VCV002932300.3), dbSNP rs762297336, ClinGen allele CA4475789.